The following is an entry in ClinVar:

ClinVar aggregate classification (germline): Likely benign. Review status: criteria provided, single submitter (1 of 4 stars). 2 submissions from 2 submitters: Likely benign (1). 1 of the submissions does not count toward it. Last evaluated 2025-05-13.

Conditions:
KRT3-related disorder. Also called: KRT3-related condition.

Allele frequency attached by ClinVar (database versions not stated): 1000 Genomes Project 30x 0.00062; ESP Exome Variant Server 0.00069; 1000 Genomes Project 0.00080.
gnomAD v4.1: 381 of 1,614,112 alleles (0.024%); highest among the groups gnomAD compares: African/African-American, 0.28%; 3 homozygotes.

Submissions (2):

Labcorp Genetics (formerly Invitae), Labcorp
Classification: Likely benign. Last evaluated: 2025-05-13. Review status: criteria provided, single submitter. Criteria: Invitae Variant Classification Sherloc (09022015). Collection method: clinical testing. Allele origin: germline.

PreventionGenetics, part of Exact Sciences
Classification: Likely benign for KRT3-related condition. Last evaluated: 2019-11-25. Review status: no assertion criteria provided. Collection method: clinical testing. Allele origin: germline. Not counted in ClinVar's aggregate classification.
Comment: This variant is classified as likely benign based on ACMG/AMP sequence variant interpretation guidelines (Richards et al. 2015 PMID: 25741868, with internal and published modifications).

NM_057088.3(KRT3):c.595C>T (p.Arg199Trp)

Gene: KRT3 (keratin 3; minus strand). Cytogenetic location: 12q13.13.
Variant type: single nucleotide variant.
Coding change: c.595C>T on transcript NM_057088.3 (MANE Select); coding-DNA position 595, C replaced by T.
Protein change: p.Arg199Trp; replaces arginine 199 with tryptophan.
Molecular consequence: missense variant.
Genome position (GRCh38, 1-based): chr12:52,795,448, G>A on the plus strand (C>T on the coding strand, the complement: KRT3 is on the minus strand). VCF-style: chr12-52795448-G-A. GRCh37 (hg19) VCF-style: chr12-53189232-G-A.
Other names: short protein forms R199W.
Identifiers: ClinVar variation 3049215 (VCV003049215.3), dbSNP rs138693059, ClinGen allele CA6588186.